The following is an entry in ClinVar:

NM_000719.7(CACNA1C):c.3967A>G (p.Ile1323Val)

Gene: CACNA1C (calcium voltage-gated channel subunit alpha1 C; plus strand). Cytogenetic location: 12p13.33.
Variant type: single nucleotide variant.
Coding change: c.3967A>G on transcript NM_000719.7 (MANE Select); coding-DNA position 3967, A replaced by G.
Protein change: p.Ile1323Val; replaces isoleucine 1323 with valine.
Molecular consequence: missense variant.
Genome position (GRCh38, 1-based): chr12:2,651,661, A>G. VCF-style: chr12-2651661-A-G. GRCh37 (hg19) VCF-style: chr12-2760827-A-G.
Other names: c.3967A>G, p.Ile1323Val (NM_001129841.2, NM_001129842.2, NM_001129843.2 and 7 more transcripts); c.3958A>G, p.Ile1320Val (NM_001129844.2); c.3934A>G, p.Ile1312Val (NM_001129846.2, NM_001167625.2, NM_001129837.2 and 1 more transcripts); c.4111A>G, p.Ile1371Val (NM_199460.4, NM_001129827.2); c.4033A>G, p.Ile1345Val (NM_001129829.2); c.4051A>G, p.Ile1351Val (NM_001129831.2); c.4027A>G, p.Ile1343Val (NM_001129832.2); c.4018A>G, p.Ile1340Val (NM_001129836.2); and 1 more; short protein forms I1312V, I1340V, I1310V, I1343V, I1320V, I1323V, I1345V, I1351V.
Identifiers: ClinVar variation 4613759 (VCV004613759.1).

ClinVar aggregate classification (germline): Uncertain significance (1 of 4 stars; one submission).

Conditions:
Cardiovascular phenotype. Identifiers: MedGen CN230736.

Submission:

Ambry Genetics
Classification: Uncertain significance for Cardiovascular phenotype. Last evaluated: 2025-09-15. Review status: criteria provided, single submitter. Criteria: Ambry Variant Classification Scheme 2023. Collection method: clinical testing. Allele origin: germline.
Comment: The p.I1323V variant (also known as c.3967A>G), located in coding exon 32 of the CACNA1C gene, results from an A to G substitution at nucleotide position 3967. The isoleucine at codon 1323 is replaced by valine, an amino acid with highly similar properties. This amino acid position is highly conserved in available vertebrate species. In addition, the in silico prediction for this alteration is inconclusive. Based on the available evidence, the clinical significance of this variant remains unclear.